The following is an entry in ClinVar:

ClinVar aggregate classification (germline): Uncertain significance (1 of 4 stars; one submission).

gnomAD v4.1: 31 of 1,613,938 alleles (0.0019%); highest among the groups gnomAD compares: Admixed American, 0.037%; no homozygotes.

Submission:

Labcorp Genetics (formerly Invitae), Labcorp
Classification: Uncertain significance. Last evaluated: 2025-11-15. Review status: criteria provided, single submitter. Criteria: Invitae Variant Classification Sherloc (09022015). Collection method: clinical testing. Allele origin: germline.
Comment: This sequence change replaces arginine, which is basic and polar, with histidine, which is basic and polar, at codon 899 of the CLTC protein (p.Arg899His). This variant is present in population databases (no rsID available, gnomAD 0.009%). This variant has not been reported in the literature in individuals affected with CLTC-related conditions. Invitae Evidence Modeling of protein sequence and biophysical properties (such as structural, functional, and spatial information, amino acid conservation, physicochemical variation, residue mobility, and thermodynamic stability) indicates that this missense variant is not expected to disrupt CLTC protein function with a negative predictive value of 80%. In summary, the available evidence is currently insufficient to determine the role of this variant in disease. Therefore, it has been classified as a Variant of Uncertain Significance.

NM_004859.4(CLTC):c.2684G>A (p.Arg895His)

Gene: CLTC (clathrin heavy chain; plus strand). Cytogenetic location: 17q23.1.
Variant type: single nucleotide variant.
Coding change: c.2684G>A on transcript NM_004859.4 (MANE Select); coding-DNA position 2684, G replaced by A.
Protein change: p.Arg895His; replaces arginine 895 with histidine.
Molecular consequence: missense variant.
Genome position (GRCh38, 1-based): chr17:59,677,076, G>A. VCF-style: chr17-59677076-G-A. GRCh37 (hg19) VCF-style: chr17-57754437-G-A.
Other names: c.2696G>A, p.Arg899His (NM_001288653.2); short protein forms R895H, R899H.
Identifiers: ClinVar variation 4767058 (VCV004767058.1).